The following is an entry in ClinVar:

NM_006147.4(IRF6):c.490C>G (p.Pro164Ala)

Gene: IRF6 (interferon regulatory factor 6; minus strand). Cytogenetic location: 1q32.2.
Variant type: single nucleotide variant.
Coding change: c.490C>G on transcript NM_006147.4 (MANE Select); coding-DNA position 490, C replaced by G.
Protein change: p.Pro164Ala; replaces proline 164 with alanine.
Molecular consequence: missense variant.
Genome position (GRCh38, 1-based): chr1:209,795,308, G>C on the plus strand (C>G on the coding strand, the complement: IRF6 is on the minus strand). VCF-style: chr1-209795308-G-C. GRCh37 (hg19) VCF-style: chr1-209968653-G-C.
Other names: c.205C>G, p.Pro69Ala (NM_001206696.2); short protein forms P164A, P69A.
Identifiers: ClinVar variation 559491 (VCV000559491.2), dbSNP rs1033149441, ClinGen allele CA36754467.

ClinVar aggregate classification (germline): Benign (0 of 4 stars; one submission).

Conditions:
Orofacial cleft 10 (OFC10). Also called: CLEFT LIP WITH OR WITHOUT CLEFT PALATE, NONSYNDROMIC, 10. Identifiers: MedGen C1866070, MONDO:0013378, OMIM 613705.

Submission:

Pharmacology and Genetics Laboratory, Bauru School of Dentistry, University of Sao Paulo
Classification: Benign for Orofacial cleft 10. Review status: no assertion criteria provided. Collection method: case-control. Allele origin: unknown. Affected: yes. Observed: 1 variant allele.
Comment: In silico analysis revealed polyphen prediction benign with polyphen score 0.002. Provean protein Batch - SIFT was predicted as tolerated with score 0.62. Mutation tester predicted disease causing.

Literature cited by the submitters: PubMed 27834299; PubMed 26346622; PubMed 28762674.